The following is an entry in ClinVar:

ClinVar aggregate classification (germline): Uncertain significance (1 of 4 stars; one submission).

Allele frequency attached by ClinVar (database versions not stated): TOPMed below 0.00001.
gnomAD v4.1: 25 of 1,563,526 alleles (0.0016%); highest among the groups gnomAD compares: East Asian, 0.0023%; no homozygotes.

Submission:

Labcorp Genetics (formerly Invitae), Labcorp
Classification: Uncertain significance. Last evaluated: 2022-03-04. Review status: criteria provided, single submitter. Criteria: Invitae Variant Classification Sherloc (09022015). Collection method: clinical testing. Allele origin: germline.
Comment: This sequence change replaces glycine, which is neutral and non-polar, with arginine, which is basic and polar, at codon 352 of the PDZD7 protein (p.Gly352Arg). This variant is not present in population databases (gnomAD no frequency). This variant has not been reported in the literature in individuals affected with PDZD7-related conditions. Algorithms developed to predict the effect of missense changes on protein structure and function are either unavailable or do not agree on the potential impact of this missense change (SIFT: "Deleterious"; PolyPhen-2: "Not Available"; Align-GVGD: "Class C0"). In summary, the available evidence is currently insufficient to determine the role of this variant in disease. Therefore, it has been classified as a Variant of Uncertain Significance.

NM_001195263.2(PDZD7):c.1054G>C (p.Gly352Arg)

Gene: PDZD7 (PDZ domain containing 7; minus strand). Cytogenetic location: 10q24.31.
Variant type: single nucleotide variant.
Coding change: c.1054G>C on transcript NM_001195263.2 (MANE Select); coding-DNA position 1054, G replaced by C.
Protein change: p.Gly352Arg; replaces glycine 352 with arginine.
Molecular consequence: missense variant.
Genome position (GRCh38, 1-based): chr10:101,019,092, C>G on the plus strand (G>C on the coding strand, the complement: PDZD7 is on the minus strand). VCF-style: chr10-101019092-C-G. GRCh37 (hg19) VCF-style: chr10-102778849-C-G.
Other names: c.1054G>C, p.Gly352Arg (NM_001351044.2, NM_024895.5); short protein forms G352R.
Identifiers: ClinVar variation 1951927 (VCV001951927.2), dbSNP rs368067740, ClinGen allele CA212984218.
Genomic context (GRCh38, chr10:101,019,092, plus strand): 5'-TCTGCATGGCTGTGTCCGCCCGCCCCCAGCCTGGGCCGCGGCTGCCGGGCTCCTCCTGCC[C>G]GAGGCAGATGTCCATGCGGTCCGACGGCAGGGAGCCCGAGCTGTAGGGGGCGCTGGAGGC-3'
Protein context (NP_001182192.1, residues 342-362): LPSDRMDICL[Gly352Arg]QEEPGSRGPG